The following is an entry in ClinVar:

NM_032603.5(LOXL3):c.158C>T (p.Pro53Leu)

Genes: DOK1 (docking protein 1; plus strand), LOXL3 (lysyl oxidase like 3; minus strand). Cytogenetic location: 2p13.1.
Variant type: single nucleotide variant.
Coding change: c.158C>T on transcript NM_032603.5 (MANE Select); coding-DNA position 158, C replaced by T.
Protein change: p.Pro53Leu; replaces proline 53 with leucine.
Molecular consequence: missense variant. On other transcripts: intron variant (1).
Genome position (GRCh38, 1-based): chr2:74,552,477, G>A on the plus strand (C>T on the coding strand, the complement: LOXL3 is on the minus strand). VCF-style: chr2-74552477-G-A. GRCh37 (hg19) VCF-style: chr2-74779604-G-A.
Other names: c.158C>T, p.Pro53Leu (NM_001289164.3); c.-357-2677G>A (NM_001197260.2); short protein forms P53L.
Identifiers: ClinVar variation 1381379 (VCV001381379.7), dbSNP rs1241356218, ClinGen allele CA347397313.

ClinVar aggregate classification (germline): Uncertain significance (1 of 4 stars; one submission).

Submission:

Labcorp Genetics (formerly Invitae), Labcorp
Classification: Uncertain significance. Last evaluated: 2021-12-02. Review status: criteria provided, single submitter. Criteria: Invitae Variant Classification Sherloc (09022015). Collection method: clinical testing. Allele origin: germline.
Comment: In summary, the available evidence is currently insufficient to determine the role of this variant in disease. Therefore, it has been classified as a Variant of Uncertain Significance. Algorithms developed to predict the effect of missense changes on protein structure and function are either unavailable or do not agree on the potential impact of this missense change (SIFT: "Tolerated"; PolyPhen-2: "Possibly Damaging"; Align-GVGD: "Class C0"). This variant has not been reported in the literature in individuals affected with LOXL3-related conditions. This variant is not present in population databases (gnomAD no frequency). This sequence change replaces proline, which is neutral and non-polar, with leucine, which is neutral and non-polar, at codon 53 of the LOXL3 protein (p.Pro53Leu).